The following is an entry in ClinVar:

NM_004667.6(HERC2):c.14501A>G (p.His4834Arg)

Gene: HERC2 (HECT and RLD domain containing E3 ubiquitin protein ligase 2; minus strand). Cytogenetic location: 15q13.1.
Variant type: single nucleotide variant.
Coding change: c.14501A>G on transcript NM_004667.6 (MANE Select); coding-DNA position 14501, A replaced by G.
Protein change: p.His4834Arg; replaces histidine 4834 with arginine.
Molecular consequence: missense variant.
Genome position (GRCh38, 1-based): chr15:28,111,767, T>C on the plus strand (A>G on the coding strand, the complement: HERC2 is on the minus strand). VCF-style: chr15-28111767-T-C. GRCh37 (hg19) VCF-style: chr15-28356913-T-C.
Other names: short protein forms H4834R.
Identifiers: ClinVar variation 3573657 (VCV003573657.1).

ClinVar aggregate classification (germline): Uncertain significance (1 of 4 stars; one submission).

gnomAD v4.1: 6 of 1,612,762 alleles (0.00037%); highest among the groups gnomAD compares: African/African-American, 0.004%; no homozygotes.

Submission:

GeneDx
Classification: Uncertain significance. Last evaluated: 2024-07-12. Review status: criteria provided, single submitter. Criteria: GeneDx Variant Classification Process June 2021. Collection method: clinical testing. Allele origin: germline. Affected: yes.
Comment: In silico analysis indicates that this missense variant does not alter protein structure/function; Has not been previously published as pathogenic or benign to our knowledge